The following is an entry in ClinVar:

ClinVar aggregate classification (germline): Uncertain significance (1 of 4 stars; one submission).

Conditions:
Long QT syndrome (LQTS). Identifiers: MedGen C0023976, MeSH D008133, MONDO:0002442. Disease mechanism: loss of function. Inheritance: Various modes of inheritance.

Allele frequency attached by ClinVar (database versions not stated): gnomAD exomes below 0.00001; TOPMed below 0.00001.
gnomAD v4.1: 1 of 1,614,162 alleles (0.000062%); highest among the groups gnomAD compares: Non-Finnish European, 0.000085%; no homozygotes.

Submission:

Labcorp Genetics (formerly Invitae), Labcorp
Classification: Uncertain significance for Long QT syndrome. Last evaluated: 2022-06-08. Review status: criteria provided, single submitter. Criteria: Invitae Variant Classification Sherloc (09022015). Collection method: clinical testing. Allele origin: germline.
Comment: This sequence change replaces aspartic acid, which is acidic and polar, with glutamic acid, which is acidic and polar, at codon 3889 of the ANK2 protein (p.Asp3889Glu). This variant is not present in population databases (gnomAD no frequency). This variant has not been reported in the literature in individuals affected with ANK2-related conditions. Algorithms developed to predict the effect of missense changes on protein structure and function are either unavailable or do not agree on the potential impact of this missense change (SIFT: "Tolerated"; PolyPhen-2: "Possibly Damaging"; Align-GVGD: "Class C0"). In summary, the available evidence is currently insufficient to determine the role of this variant in disease. Therefore, it has been classified as a Variant of Uncertain Significance.

NM_001148.6(ANK2):c.11667T>A (p.Asp3889Glu)

Gene: ANK2 (ankyrin 2; plus strand). Cytogenetic location: 4q26.
Variant type: single nucleotide variant.
Coding change: c.11667T>A on transcript NM_001148.6 (MANE Select); coding-DNA position 11667, T replaced by A.
Protein change: p.Asp3889Glu; replaces aspartic acid 3889 with glutamic acid.
Molecular consequence: missense variant. On other transcripts: intron variant (1).
Genome position (GRCh38, 1-based): chr4:113,373,146, T>A. VCF-style: chr4-113373146-T-A. GRCh37 (hg19) VCF-style: chr4-114294302-T-A.
Other names: c.5385T>A, p.Asp1795Glu (NM_001127493.3); c.5424T>A, p.Asp1808Glu (NM_001354225.2); c.5406T>A, p.Asp1802Glu (NM_001354228.2); c.5391T>A, p.Asp1797Glu (NM_001354230.2); c.5547T>A, p.Asp1849Glu (NM_001354231.2); c.5541T>A, p.Asp1847Glu (NM_001354232.2); c.5502T>A, p.Asp1834Glu (NM_001354235.2); c.5310T>A, p.Asp1770Glu (NM_001354236.2); and 44 more; short protein forms D1676E, D1709E, D1733E, D1746E, D1749E, D1750E, D1794E, D1795E.
Identifiers: ClinVar variation 2053219 (VCV002053219.4), dbSNP rs2096799610, ClinGen allele CA357943441.
Genomic context (GRCh38, chr4:113,373,146, plus strand): 5'-TTAGGGAGACGATATGCCTGAAATACCCCCAGAAACAGTCACAGAAGAAGAATACATTGA[T>A]GAGCATGGACACACCGTGGTAAAGAAGGTATTGTCTAGTATATCCTAACAGGGTTGATTA-3'
Protein context (NP_001139.3, residues 3879-3899): PETVTEEEYI[Asp3889Glu]EHGHTVVKKV